The following is an entry in ClinVar:

ClinVar aggregate classification (germline): Uncertain significance. Review status: criteria provided, multiple submitters, no conflicts (2 of 4 stars). 2 submissions from 2 submitters: Uncertain significance (2). Last evaluated 2025-10-22.

Conditions:
Inborn genetic diseases. Identifiers: MedGen C0950123, MeSH D030342.

Allele frequency attached by ClinVar (database versions not stated): gnomAD 0.00001; TOPMed 0.00001.
gnomAD v4.1: 21 of 1,613,636 alleles (0.0013%); highest among the groups gnomAD compares: Non-Finnish European, 0.0017%; no homozygotes.

Submissions (2):

Ambry Genetics
Classification: Uncertain significance for Inborn genetic diseases. Last evaluated: 2025-10-22. Review status: criteria provided, single submitter. Criteria: Ambry Variant Classification Scheme 2023. Collection method: clinical testing. Allele origin: germline.

Labcorp Genetics (formerly Invitae), Labcorp
Classification: Uncertain significance. Last evaluated: 2022-03-26. Review status: criteria provided, single submitter. Criteria: Invitae Variant Classification Sherloc (09022015). Collection method: clinical testing. Allele origin: germline.
Comment: This sequence change replaces tyrosine, which is neutral and polar, with histidine, which is basic and polar, at codon 1500 of the USH2A protein (p.Tyr1500His). This variant is not present in population databases (gnomAD no frequency). This variant has not been reported in the literature in individuals affected with USH2A-related conditions. Algorithms developed to predict the effect of missense changes on protein structure and function are either unavailable or do not agree on the potential impact of this missense change (SIFT: "Deleterious"; PolyPhen-2: "Probably Damaging"; Align-GVGD: "Class C0"). In summary, the available evidence is currently insufficient to determine the role of this variant in disease. Therefore, it has been classified as a Variant of Uncertain Significance.

NM_206933.4(USH2A):c.4498T>C (p.Tyr1500His)

Gene: USH2A (usherin; minus strand). Cytogenetic location: 1q41.
Variant type: single nucleotide variant.
Coding change: c.4498T>C on transcript NM_206933.4 (MANE Select); coding-DNA position 4498, T replaced by C.
Protein change: p.Tyr1500His; replaces tyrosine 1500 with histidine.
Molecular consequence: missense variant.
Genome position (GRCh38, 1-based): chr1:216,175,381, A>G on the plus strand (T>C on the coding strand, the complement: USH2A is on the minus strand). VCF-style: chr1-216175381-A-G. GRCh37 (hg19) VCF-style: chr1-216348723-A-G.
Other names: c.4498T>C, p.Tyr1500His (NM_007123.6); c.4498T>C (NM_206933.2); short protein forms Y1500H.
Identifiers: ClinVar variation 2155921 (VCV002155921.2), dbSNP rs1305677506, ClinGen allele CA344863771.
Genomic context (GRCh38, chr1:216,175,381, plus strand): 5'-TTCCTTTCATCATCGTGGTCATCAGAGCTGGTAGAGATGACTCTCTCCTTTCCAGCTGAT[A>G]TATAGGAGAGGGTCCATTCAGTTCTTCAGGTGGAAACCACCTAAGATGGATTGTTGTGCT-3'
Protein context (NP_996816.3, residues 1490-1510): PEELNGPSPI[Tyr1500His]QLERRESSLP